The following is an entry in ClinVar:

ClinVar aggregate classification (germline): Uncertain significance (1 of 4 stars; one submission).

Conditions:
Kabuki syndrome. Also called: Kabuki make-up syndrome; NIIKAWA-KUROKI SYNDROME. Identifiers: Orphanet 2322, MedGen C0796004, MONDO:0016512.

Submission:

Labcorp Genetics (formerly Invitae), Labcorp
Classification: Uncertain significance for Kabuki syndrome. Last evaluated: 2023-08-10. Review status: criteria provided, single submitter. Criteria: Invitae Variant Classification Sherloc (09022015). Collection method: clinical testing. Allele origin: germline.
Comment: This sequence change replaces tyrosine, which is neutral and polar, with histidine, which is basic and polar, at codon 1998 of the KMT2D protein (p.Tyr1998His). This variant has not been reported in the literature in individuals affected with KMT2D-related conditions. This variant is not present in population databases (gnomAD no frequency). Advanced modeling of protein sequence and biophysical properties (such as structural, functional, and spatial information, amino acid conservation, physicochemical variation, residue mobility, and thermodynamic stability) performed at Invitae indicates that this missense variant is not expected to disrupt KMT2D protein function. In summary, the available evidence is currently insufficient to determine the role of this variant in disease. Therefore, it has been classified as a Variant of Uncertain Significance.

NM_003482.4(KMT2D):c.5992T>C (p.Tyr1998His)

Gene: KMT2D (lysine methyltransferase 2D; minus strand). Cytogenetic location: 12q13.12.
Variant type: single nucleotide variant.
Coding change: c.5992T>C on transcript NM_003482.4 (MANE Select); coding-DNA position 5992, T replaced by C.
Protein change: p.Tyr1998His; replaces tyrosine 1998 with histidine.
Molecular consequence: missense variant.
Genome position (GRCh38, 1-based): chr12:49,042,206, A>G on the plus strand (T>C on the coding strand, the complement: KMT2D is on the minus strand). VCF-style: chr12-49042206-A-G. GRCh37 (hg19) VCF-style: chr12-49435989-A-G.
Other names: short protein forms Y1998H.
Identifiers: ClinVar variation 2805802 (VCV002805802.3), dbSNP rs2498407104, ClinGen allele CA384627183.